The following is an entry in ClinVar:

NM_024426.6(WT1):c.798C>G (p.Tyr266Ter)

Gene: WT1 (WT1 transcription factor; minus strand). Cytogenetic location: 11p13.
Variant type: single nucleotide variant.
Coding change: c.798C>G on transcript NM_024426.6 (MANE Select); coding-DNA position 798, C replaced by G.
Protein change: p.Tyr266Ter; replaces tyrosine 266 with a stop codon.
Molecular consequence: nonsense. On other transcripts: non-coding transcript variant (1).
Genome position (GRCh38, 1-based): chr11:32,428,045, G>C on the plus strand (C>G on the coding strand, the complement: WT1 is on the minus strand). VCF-style: chr11-32428045-G-C. GRCh37 (hg19) VCF-style: chr11-32449591-G-C.
Other names: c.798C>G, p.Tyr266Ter (NM_000378.6, NM_001407044.1, NM_001407045.1 and 4 more transcripts); c.147C>G, p.Tyr49Ter (NM_001198551.2, NM_001198552.2); c.675C>G, p.Tyr225Ter (NM_001407047.1, NM_001407050.1); c.36C>G, p.Tyr12Ter (NM_001407051.1); c.783C>G, p.Tyr261Ter (NM_024425.2); short protein forms Y266*, Y49*, Y225*, Y12*, Y261*.
Identifiers: ClinVar variation 1076730 (VCV001076730.8), dbSNP rs2133073037, ClinGen allele CA379963146.
Genomic context (GRCh38, chr11:32,428,045, plus strand): 5'-CTGGCTGCCGGTGCAGCTGTCGGTGGGGGTGTGGCAGCCATAGACCGGGGGCGGCACCGA[G>C]TACTGCTGCTCACCTGCAGAGAGAACCGAAGACAGCTGAGCGAGTGCGCCCCAAGGGCTC-3'

ClinVar aggregate classification (germline): Pathogenic (1 of 4 stars; one submission).

Conditions:
Drash syndrome (DDS). Also called: WILMS TUMOR AND PSEUDO- OR TRUE HERMAPHRODITISM; NEPHROPATHY, WILMS TUMOR, AND GENITAL ANOMALIES. Identifiers: Orphanet 220, MedGen C0950121, MONDO:0008682, OMIM 194080.
Frasier syndrome. Identifiers: Orphanet 347, MedGen C0950122, MeSH D052159, MONDO:0007635, OMIM 136680.
Wilms tumor 1 (WT1). Also called: Wilms tumor, somatic. Identifiers: Orphanet 654, MedGen CN033288, MONDO:0008679, OMIM 194070.
11p partial monosomy syndrome (WAGR). Also called: WAGR Spectrum Disorder; WAGR Complex; CHROMOSOME 11p13 DELETION SYNDROME; WAGR syndrome. Identifiers: Orphanet 893, MedGen C0206115, MONDO:0008681, OMIM 194072.

Submission:

Labcorp Genetics (formerly Invitae), Labcorp
Classification: Pathogenic for Wilms tumor 1; Drash syndrome; 11p partial monosomy syndrome; Frasier syndrome. Last evaluated: 2020-10-13. Review status: criteria provided, single submitter. Criteria: Invitae Variant Classification Sherloc (09022015). Collection method: clinical testing. Allele origin: germline.
Comment: For these reasons, this variant has been classified as Pathogenic. Loss-of-function variants in WT1 are known to be pathogenic (PMID: 15150775). This variant has not been reported in the literature in individuals with WT1-related conditions. This variant is not present in population databases (ExAC no frequency). This sequence change creates a premature translational stop signal (p.Tyr261*) in the WT1 gene. It is expected to result in an absent or disrupted protein product.

Literature cited by the submitters: PubMed 15150775.